The following is an entry in ClinVar:

NM_213599.3(ANO5):c.230T>G (p.Ile77Ser)

Gene: ANO5 (anoctamin 5; plus strand). Cytogenetic location: 11p14.3.
Variant type: single nucleotide variant.
Coding change: c.230T>G on transcript NM_213599.3 (MANE Select); coding-DNA position 230, T replaced by G.
Protein change: p.Ile77Ser; replaces isoleucine 77 with serine.
Molecular consequence: missense variant.
Genome position (GRCh38, 1-based): chr11:22,221,146, T>G. VCF-style: chr11-22221146-T-G. GRCh37 (hg19) VCF-style: chr11-22242692-T-G.
Other names: c.227T>G, p.Ile76Ser (NM_001142649.2); c.188T>G, p.Ile63Ser (NM_001410963.1); c.185T>G, p.Ile62Ser (NM_001410964.1); short protein forms I63S, I76S, I77S, I62S.
Identifiers: ClinVar variation 1972226 (VCV001972226.5), dbSNP rs2494118148, ClinGen allele CA379925315.
Genomic context (GRCh38, chr11:22,221,146, plus strand): 5'-GTCTCCTGCAGTTTCAAAAAAATCAGCAAAGCAAAGATTCTATCTTCTTCCGAGATGGGA[T>G]TAGGCAAATTGATTTTGTGCTTTCCTACGTTGATGATGTAAAGAAAGACGCAGAGTTAAA-3'
Protein context (NP_998764.1, residues 67-87): SKDSIFFRDG[Ile77Ser]RQIDFVLSYV

ClinVar aggregate classification (germline): Uncertain significance (1 of 4 stars; one submission).

Conditions:
Gnathodiaphyseal dysplasia (GDD). Also called: GNATHODIAPHYSEAL SCLEROSIS; OSTEOGENESIS IMPERFECTA WITH UNUSUAL SKELETAL LESIONS. Identifiers: Orphanet 53697, MedGen C1833736, MONDO:0008151, OMIM 166260.
Autosomal recessive limb-girdle muscular dystrophy type 2L (LGMDR12). Also called: Limb-Girdle Muscular Dystrophy R12 Anoctamin-5-Related (LGMD-R12); MUSCULAR DYSTROPHY, LIMB-GIRDLE, AUTOSOMAL RECESSIVE 12; Limb-girdle muscular dystrophy, type 2L. Identifiers: Orphanet 206549, MedGen C1969785, MONDO:0012652, OMIM 611307.

Submission:

Labcorp Genetics (formerly Invitae), Labcorp
Classification: Uncertain significance for Autosomal recessive limb-girdle muscular dystrophy type 2L; Gnathodiaphyseal dysplasia. Last evaluated: 2022-07-05. Review status: criteria provided, single submitter. Criteria: Invitae Variant Classification Sherloc (09022015). Collection method: clinical testing. Allele origin: germline.
Comment: This sequence change replaces isoleucine, which is neutral and non-polar, with serine, which is neutral and polar, at codon 77 of the ANO5 protein (p.Ile77Ser). This variant is not present in population databases (gnomAD no frequency). This variant has not been reported in the literature in individuals affected with ANO5-related conditions. Advanced modeling of protein sequence and biophysical properties (such as structural, functional, and spatial information, amino acid conservation, physicochemical variation, residue mobility, and thermodynamic stability) performed at Invitae indicates that this missense variant is not expected to disrupt ANO5 protein function. Algorithms developed to predict the effect of sequence changes on RNA splicing suggest that this variant may create or strengthen a splice site. In summary, the available evidence is currently insufficient to determine the role of this variant in disease. Therefore, it has been classified as a Variant of Uncertain Significance.